The following is an entry in ClinVar:

ClinVar aggregate classification (germline): Uncertain significance (1 of 4 stars; one submission).

Conditions:
Werner syndrome (WRN). Identifiers: Orphanet 902, MedGen C0043119, MONDO:0010196, OMIM 277700.

gnomAD v4.1: 1 of 1,612,866 alleles (0.000062%); highest among the groups gnomAD compares: African/African-American, 0.0013%; no homozygotes.

Submission:

Labcorp Genetics (formerly Invitae), Labcorp
Classification: Uncertain significance for Werner syndrome. Last evaluated: 2022-05-04. Review status: criteria provided, single submitter. Criteria: Invitae Variant Classification Sherloc (09022015). Collection method: clinical testing. Allele origin: germline.
Comment: This sequence change replaces serine, which is neutral and polar, with phenylalanine, which is neutral and non-polar, at codon 612 of the WRN protein (p.Ser612Phe). This variant is present in population databases (no rsID available, gnomAD 0.007%). This variant has not been reported in the literature in individuals affected with WRN-related conditions. Algorithms developed to predict the effect of missense changes on protein structure and function are either unavailable or do not agree on the potential impact of this missense change (SIFT: "Not Available"; PolyPhen-2: "Probably Damaging"; Align-GVGD: "Not Available"). In summary, the available evidence is currently insufficient to determine the role of this variant in disease. Therefore, it has been classified as a Variant of Uncertain Significance.

NM_000553.6(WRN):c.1835C>T (p.Ser612Phe)

Gene: WRN (WRN RecQ like helicase; plus strand). Cytogenetic location: 8p12.
Variant type: single nucleotide variant.
Coding change: c.1835C>T on transcript NM_000553.6 (MANE Select); coding-DNA position 1835, C replaced by T.
Protein change: p.Ser612Phe; replaces serine 612 with phenylalanine.
Molecular consequence: missense variant.
Genome position (GRCh38, 1-based): chr8:31,091,835, C>T. VCF-style: chr8-31091835-C-T. GRCh37 (hg19) VCF-style: chr8-30949351-C-T.
Other names: short protein forms S612F.
Identifiers: ClinVar variation 2183421 (VCV002183421.4), dbSNP rs11574250, ClinGen allele CA370928339.